The following is an entry in ClinVar:

NM_006031.6(PCNT):c.7871C>T (p.Ser2624Phe)

Gene: PCNT (pericentrin; plus strand). Cytogenetic location: 21q22.3.
Variant type: single nucleotide variant.
Coding change: c.7871C>T on transcript NM_006031.6 (MANE Select); coding-DNA position 7871, C replaced by T.
Protein change: p.Ser2624Phe; replaces serine 2624 with phenylalanine.
Molecular consequence: missense variant.
Genome position (GRCh38, 1-based): chr21:46,430,190, C>T. VCF-style: chr21-46430190-C-T. GRCh37 (hg19) VCF-style: chr21-47850104-C-T.
Other names: c.7517C>T, p.Ser2506Phe (NM_001315529.2); short protein forms S2624F, S2506F.
Identifiers: ClinVar variation 895895 (VCV000895895.11), dbSNP rs199981467, ClinGen allele CA10080809.

ClinVar aggregate classification (germline): Uncertain significance. Review status: criteria provided, multiple submitters, no conflicts (2 of 4 stars). 4 submissions from 4 submitters: Uncertain significance (4). Last evaluated 2025-07-21.

Conditions:
PCNT-related disorder. Also called: PCNT-related condition.
Microcephalic osteodysplastic primordial dwarfism type II (MOPD2). Also called: Microcephalic osteodysplastic primordial dwarfism with tooth abnormalities; MOPD II; OSTEODYSPLASTIC PRIMORDIAL DWARFISM, TYPE II. Identifiers: Orphanet 2637, MedGen C0432246, MONDO:0008872, OMIM 210720.

Allele frequency attached by ClinVar (database versions not stated): gnomAD 0.00004 and 0.00005; gnomAD exomes 0.00006 and 0.00012; TOPMed 0.00006; ESP Exome Variant Server 0.00008; ExAC 0.00015.
gnomAD v4.1: 87 of 1,613,812 alleles (0.0054%); highest among the groups gnomAD compares: East Asian, 0.082%; 2 homozygotes.

Submissions (4):

PreventionGenetics, part of Exact Sciences
Classification: Uncertain significance for PCNT-related condition. Last evaluated: 2025-07-21. Review status: criteria provided, single submitter. Criteria: ACMG Guidelines, 2015. Collection method: clinical testing. Allele origin: germline.
Comment: The PCNT c.7871C>T variant is predicted to result in the amino acid substitution p.Ser2624Phe. To our knowledge, this variant has not been reported in the literature. This variant is reported in 0.085% of alleles in individuals of East Asian descent in gnomAD, and is classified as uncertain in ClinVar. Although we suspect that this variant may be benign, at this time, the clinical significance of this variant is uncertain due to the absence of conclusive functional and genetic evidence.

Labcorp Genetics (formerly Invitae), Labcorp
Classification: Uncertain significance. Last evaluated: 2022-09-19. Review status: criteria provided, single submitter. Criteria: Invitae Variant Classification Sherloc (09022015). Collection method: clinical testing. Allele origin: germline.
Comment: This sequence change replaces serine, which is neutral and polar, with phenylalanine, which is neutral and non-polar, at codon 2624 of the PCNT protein (p.Ser2624Phe). This variant is present in population databases (rs199981467, gnomAD 0.07%). This variant has not been reported in the literature in individuals affected with PCNT-related conditions. ClinVar contains an entry for this variant (Variation ID: 895895). Algorithms developed to predict the effect of missense changes on protein structure and function are either unavailable or do not agree on the potential impact of this missense change (SIFT: "Tolerated"; PolyPhen-2: "Possibly Damaging"; Align-GVGD: "Class C0"). In summary, the available evidence is currently insufficient to determine the role of this variant in disease. Therefore, it has been classified as a Variant of Uncertain Significance.

Illumina Laboratory Services, Illumina
Classification: Uncertain significance for Microcephalic osteodysplastic primordial dwarfism type II. Last evaluated: 2018-01-13. Review status: criteria provided, single submitter. Criteria: ICSL Variant Classification Criteria 13 December 2019. Collection method: clinical testing. Allele origin: germline.

Breakthrough Genomics
Classification: Uncertain significance. Review status: criteria provided, single submitter. Criteria: ACMG Guidelines, 2015. Collection method: not provided. Allele origin: germline. Inheritance: Autosomal dominant inheritance. Affected: yes.